The following is an entry in ClinVar:

NM_003900.5(SQSTM1):c.301+6G>C

Gene: SQSTM1 (sequestosome 1; plus strand). Cytogenetic location: 5q35.3.
Variant type: single nucleotide variant.
Coding change: c.301+6G>C on transcript NM_003900.5 (MANE Select); 6 bases into the intron after coding-DNA position 301, G replaced by C.
Molecular consequence: intron variant.
Genome position (GRCh38, 1-based): chr5:179,823,059, G>C. VCF-style: chr5-179823059-G-C. GRCh37 (hg19) VCF-style: chr5-179250059-G-C.
Other names: c.49+6G>C (NM_001142298.2, NM_001142299.2).
Identifiers: ClinVar variation 2947371 (VCV002947371.3), dbSNP rs2113485300, ClinGen allele CA2740094211.

ClinVar aggregate classification (germline): Uncertain significance (1 of 4 stars; one submission).

Conditions:
Paget disease of bone 2, early-onset (PDB2). Also called: Paget disease of bone 2. Identifiers: MedGen C4085251, MONDO:0011183, OMIM 602080.
Frontotemporal dementia and/or amyotrophic lateral sclerosis 1 (FTDALS1). Also called: Frontotemporal dementia with motor neuron disease 1; C9orf72 Frontotemporal Dementia and/or Amyotrophic Lateral Sclerosis. Identifiers: Orphanet 275872, MedGen C5779877, MONDO:0007105, OMIM 105550.

Submission:

Labcorp Genetics (formerly Invitae), Labcorp
Classification: Uncertain significance for Paget disease of bone 2, early-onset; Frontotemporal dementia and/or amyotrophic lateral sclerosis 1. Last evaluated: 2023-05-01. Review status: criteria provided, single submitter. Criteria: Invitae Variant Classification Sherloc (09022015). Collection method: clinical testing. Allele origin: germline.
Comment: This sequence change falls in intron 2 of the SQSTM1 gene. It does not directly change the encoded amino acid sequence of the SQSTM1 protein. It affects a nucleotide within the consensus splice site. This variant is not present in population databases (gnomAD no frequency). This variant has not been reported in the literature in individuals affected with SQSTM1-related conditions. Variants that disrupt the consensus splice site are a relatively common cause of aberrant splicing (PMID: 17576681, 9536098). Algorithms developed to predict the effect of sequence changes on RNA splicing suggest that this variant is not likely to affect RNA splicing. In summary, the available evidence is currently insufficient to determine the role of this variant in disease. Therefore, it has been classified as a Variant of Uncertain Significance.

Literature cited by the submitters: PubMed 17576681; PubMed 9536098.